The following is an entry in ClinVar:

ClinVar aggregate classification (germline): Likely pathogenic (1 of 4 stars; one submission).

Conditions:
Intellectual developmental disorder, X-linked, syndromic, Claes-Jensen type. Also called: Syndromic X-linked intellectual disability Claes-Jensen type; INTELLECTUAL DEVELOPMENTAL DISORDER, X-LINKED, SYNDROMIC 16; MENTAL RETARDATION, X-LINKED, SYNDROMIC 16. Identifiers: Orphanet 85279, MedGen C1845243, MONDO:0010355, OMIM 300534.

Submission:

Human Genetics Bochum, Ruhr University Bochum
Classification: Likely pathogenic for Intellectual developmental disorder, X-linked, syndromic, Claes-Jensen type. Last evaluated: 2025-02-12. Review status: criteria provided, single submitter. Criteria: ACMG Guidelines, 2015. Collection method: clinical testing. Allele origin: germline. Affected: yes.
Comment: ACMG criteria used to clasify this variant: PVS1, PM2_SUP

NM_004187.5(KDM5C):c.224del (p.Leu75fs)

Gene: KDM5C (lysine demethylase 5C; minus strand). Cytogenetic location: Xp11.22.
Variant type: Deletion.
Coding change: c.224del on transcript NM_004187.5 (MANE Select); coding-DNA position 224, one base deleted (T; older notation c.224delT).
Protein change: p.Leu75fs; shifts the reading frame from leucine 75.
Molecular consequence: frameshift variant. On other transcripts: non-coding transcript variant (3), intron variant (1).
Genome position (GRCh38, 1-based): chrX:53,220,843, A deleted on the plus strand (T on the coding strand, the reverse complement: KDM5C is on the minus strand). VCF-style (leftmost placement, unchanged base first): chrX-53220842-TA-T. GRCh37 (hg19) VCF-style: chrX-53250024-TA-T.
Other names: c.224del, p.Leu75fs (NM_001353982.2, NM_001353984.2, NM_001282622.3 and 3 more transcripts); c.151-2877del (NM_001146702.2); short protein forms L75fs.
Identifiers: ClinVar variation 4687894 (VCV004687894.1).
Genomic context (GRCh38, chrX:53,220,842, plus strand): 5'-GATTAGAACTCAGGTATACATTCTCCCAACCCCACCACCAGCTCCTAGTCTTCTCACCTC[TA>T]GCTCATTCAGCCTCTGGATTCGGGGGGTAAACCTGAAGTTGTCCACTTCCACAGCAAAGG-3'